The following is an entry in ClinVar:

NM_003079.5(SMARCE1):c.531A>G (p.Glu177=)

Gene: SMARCE1 (SWI/SNF related BAF chromatin remodeling complex subunit E1; minus strand). Cytogenetic location: 17q21.2.
Variant type: single nucleotide variant.
Coding change: c.531A>G on transcript NM_003079.5 (MANE Select); coding-DNA position 531, A replaced by G.
Protein change: p.Glu177=; no amino-acid change (glutamic acid 177 retained).
Molecular consequence: synonymous variant.
Genome position (GRCh38, 1-based): chr17:40,635,941, T>C on the plus strand (A>G on the coding strand, the complement: SMARCE1 is on the minus strand). VCF-style: chr17-40635941-T-C. GRCh37 (hg19) VCF-style: chr17-38792193-T-C.
Identifiers: ClinVar variation 463427 (VCV000463427.33), dbSNP rs377424178, ClinGen allele CA8545227.
Genomic context (GRCh38, chr17:40,635,941, plus strand): 5'-TCTTAACTCACAGAGAAAGCATAAACAAAACCCCACTTTTTTTCTTTTACCATCTGGATC[T>C]TCAGCAGGCTGAATGCTCATGTACGGTTCTCCTTTCTCCATGCGAGATTGTCTCTGTCGA-3'
Protein context (NP_003070.3, residues 167-187): GEPYMSIQPA[Glu177=]DPDDYDDGFS

ClinVar aggregate classification (germline): Likely benign. Review status: criteria provided, multiple submitters, no conflicts (2 of 4 stars). 3 submissions from 3 submitters: Likely benign (3). Last evaluated 2026-01-05.

Conditions:
Hereditary cancer-predisposing syndrome. Also called: Hereditary neoplastic syndrome; Neoplastic Syndromes, Hereditary; Hereditary Cancer Syndrome; Tumor predisposition. Identifiers: Orphanet 140162, MedGen C0027672, MeSH D009386, MONDO:0015356.
Familial meningioma. Also called: Meningioma, familial, susceptibility to. Identifiers: Orphanet 263662, MedGen C3551915, MONDO:0011789, OMIM 607174.

Allele frequency attached by ClinVar (database versions not stated): gnomAD exomes 0.00001; ExAC 0.00002; gnomAD 0.00003; TOPMed 0.00005; ESP Exome Variant Server 0.00008.
gnomAD v4.1: 14 of 1,572,614 alleles (0.00089%); highest among the groups gnomAD compares: African/African-American, 0.0014%; no homozygotes.

Submissions (3):

Labcorp Genetics (formerly Invitae), Labcorp
Classification: Likely benign for Familial meningioma. Last evaluated: 2026-01-05. Review status: criteria provided, single submitter. Criteria: Invitae Variant Classification Sherloc (09022015). Collection method: clinical testing. Allele origin: germline.

CeGaT Center for Human Genetics Tuebingen
Classification: Likely benign. Last evaluated: 2024-07-01. Review status: criteria provided, single submitter. Criteria: CeGaT Center For Human Genetics Tuebingen Variant Classification Criteria Version 2. Collection method: clinical testing. Allele origin: germline. Affected: yes. Observed: 1 variant allele.
Comment: SMARCE1: BP4, BP7

Ambry Genetics
Classification: Likely benign for Hereditary cancer-predisposing syndrome. Last evaluated: 2018-11-06. Review status: criteria provided, single submitter. Criteria: Ambry Variant Classification Scheme 2023. Collection method: clinical testing. Allele origin: germline.